The following is an entry in ClinVar:

ClinVar aggregate classification (germline): Uncertain significance (1 of 4 stars; one submission).

Conditions:
Neutropenia, severe congenital, 2, autosomal dominant. Identifiers: Orphanet 486, MedGen C2751288, MONDO:0013139, OMIM 613107.

Submission:

Labcorp Genetics (formerly Invitae), Labcorp
Classification: Uncertain significance for Neutropenia, severe congenital, 2, autosomal dominant. Last evaluated: 2025-11-01. Review status: criteria provided, single submitter. Criteria: Invitae Variant Classification Sherloc (09022015). Collection method: clinical testing. Allele origin: germline.
Comment: This sequence change replaces threonine, which is neutral and polar, with alanine, which is neutral and non-polar, at codon 385 of the GFI1 protein (p.Thr385Ala). This variant is not present in population databases (gnomAD no frequency). This variant has not been reported in the literature in individuals affected with GFI1-related conditions. Invitae Evidence Modeling of protein sequence and biophysical properties (such as structural, functional, and spatial information, amino acid conservation, physicochemical variation, residue mobility, and thermodynamic stability) indicates that this missense variant is expected to disrupt GFI1 protein function with a positive predictive value of 80%. In summary, the available evidence is currently insufficient to determine the role of this variant in disease. Therefore, it has been classified as a Variant of Uncertain Significance.

NM_005263.5(GFI1):c.1153A>G (p.Thr385Ala)

Genes: GFI1 (growth factor independent 1 transcriptional repressor; minus strand), LOC129930930 (ATAC-STARR-seq lymphoblastoid active region 1314; plus strand). Cytogenetic location: 1p22.1.
Variant type: single nucleotide variant.
Coding change: c.1153A>G on transcript NM_005263.5 (MANE Select); coding-DNA position 1153, A replaced by G.
Protein change: p.Thr385Ala; replaces threonine 385 with alanine.
Molecular consequence: missense variant.
Genome position (GRCh38, 1-based): chr1:92,476,145, T>C on the plus strand (A>G on the coding strand, the complement: GFI1 is on the minus strand). VCF-style: chr1-92476145-T-C. GRCh37 (hg19) VCF-style: chr1-92941702-T-C.
Other names: c.1153A>G, p.Thr385Ala (NM_001127215.3, NM_001127216.3); short protein forms T385A.
Identifiers: ClinVar variation 4745710 (VCV004745710.1).